The following is an entry in ClinVar:

NM_000535.7(PMS2):c.388_390delinsTGTAATTCCAGCCCAAAGTGCCTGTAATTCCAGCACTTTGGGAGGCCAAAGCGAGCAGATCACCTGAGGTCAGGAGTTCGAGACCAGCCTGACCAACATGGAGAAACCCTGTCTCT (p.Lys130delinsCysAsnSerSerProLysCysLeuTer)

Gene: PMS2 (PMS1 homolog 2, mismatch repair system component; minus strand). Cytogenetic location: 7p22.1.
Variant type: Indel.
Coding change: c.388_390delinsTGTAATTCCAGCCCAAAGTGCCTGTAATTCCAGCACTTTGGGAGGCCAAAGCGAGCAGATCACCTGAGGTCAGGAGTTCGAGACCAGCCTGACCAACATGGAGAAACCCTGTCTCT on transcript NM_000535.7 (MANE Select); coding-DNA positions 388 to 390, the reference bases replaced by an inserted sequence.
Protein change: p.Lys130delinsCysAsnSerSerProLysCysLeuTer.
Molecular consequence: nonsense. On other transcripts: 5 prime UTR variant (8), frameshift variant (24), non-coding transcript variant (1).
Genome position (GRCh38, 1-based): chr7:6,002,600-6,002,602, 3 bases replaced. GRCh37 (hg19): chr7:6,042,231-6,042,233.
Other names: c.-18_-16delAAGinsTGTAATTCCAGCCCAAAGTGCCTGTAATTCCAGCACTTTGGGAGGCCAAAGCGAGCAGATCACCTGAGGTCAGGAGTTCGAGACCAGCCTGACCAACATGGAGAAACCCTGTCTCT (NM_001018040.1, NM_001406887.1, NM_001406888.1 and 19 more transcripts); c.-18_-16delinsTGTAATTCCAGCCCAAAGTGCCTGTAATTCCAGCACTTTGGGAGGCCAAAGCGAGCAGATCACCTGAGGTCAGGAGTTCGAGACCAGCCTGACCAACATGGAGAAACCCTGTCTCT (NM_001322003.2, NM_001322004.2, NM_001322005.2 and 3 more transcripts); c.388_390delinsTGTAATTCCAGCCCAAAGTGCCTGTAATTCCAGCACTTTGGGAGGCCAAAGCGAGCAGATCACCTGAGGTCAGGAGTTCGAGACCAGCCTGACCAACATGGAGAAACCCTGTCTCT, p.Lys130delinsCysAsnSerSerProLysCysLeuTer (NM_001322006.2, NM_001322014.2); c.70_72delinsTGTAATTCCAGCCCAAAGTGCCTGTAATTCCAGCACTTTGGGAGGCCAAAGCGAGCAGATCACCTGAGGTCAGGAGTTCGAGACCAGCCTGACCAACATGGAGAAACCCTGTCTCT, p.Lys24delinsCysAsnSerSerProLysCysLeuTer (NM_001322007.2, NM_001322008.2); c.-497_-495delinsTGTAATTCCAGCCCAAAGTGCCTGTAATTCCAGCACTTTGGGAGGCCAAAGCGAGCAGATCACCTGAGGTCAGGAGTTCGAGACCAGCCTGACCAACATGGAGAAACCCTGTCTCT (NM_001322011.2, NM_001322012.2); c.79_81delinsTGTAATTCCAGCCCAAAGTGCCTGTAATTCCAGCACTTTGGGAGGCCAAAGCGAGCAGATCACCTGAGGTCAGGAGTTCGAGACCAGCCTGACCAACATGGAGAAACCCTGTCTCT, p.Lys27delinsCysAsnSerSerProLysCysLeuTer (NM_001322015.2); c.574_576delAAGinsTGTAATTCCAGCCCAAAGTGCCTGTAATTCCAGCACTTTGGGAGGCCAAAGCGAGCAGATCACCTGAGGTCAGGAGTTCGAGACCAGCCTGACCAACATGGAGAAACCCTGTCTCT, p.Lys192Cysfs (NM_001406866.1); c.412_414delAAGinsTGTAATTCCAGCCCAAAGTGCCTGTAATTCCAGCACTTTGGGAGGCCAAAGCGAGCAGATCACCTGAGGTCAGGAGTTCGAGACCAGCCTGACCAACATGGAGAAACCCTGTCTCT, p.Lys138Cysfs (NM_001406868.1); and 3 more.
Identifiers: ClinVar variation 1735810 (VCV001735810.7), dbSNP rs2536452478, ClinGen allele CA2580077009.

ClinVar aggregate classification (germline): Pathogenic. Review status: criteria provided, multiple submitters, no conflicts (2 of 4 stars). 2 submissions from 2 submitters: Pathogenic (2). Last evaluated 2022-01-06.

Conditions:
Hereditary nonpolyposis colorectal neoplasms. Identifiers: MedGen C0009405, MeSH D003123.
Hereditary cancer-predisposing syndrome. Also called: Neoplastic Syndromes, Hereditary; Tumor predisposition; Hereditary Cancer Syndrome; Hereditary neoplastic syndrome. Identifiers: Orphanet 140162, MedGen C0027672, MeSH D009386, MONDO:0015356.

Submissions (2):

Labcorp Genetics (formerly Invitae), Labcorp
Classification: Pathogenic for Hereditary nonpolyposis colorectal neoplasms. Last evaluated: 2022-01-06. Review status: criteria provided, single submitter. Criteria: Invitae Variant Classification Sherloc (09022015). Collection method: clinical testing. Allele origin: germline.
Comment: This variant is not present in population databases (gnomAD no frequency). For these reasons, this variant has been classified as Pathogenic. Algorithms developed to predict the effect of sequence changes on RNA splicing suggest that this variant may create or strengthen a splice site. This variant has not been reported in the literature in individuals affected with PMS2-related conditions. This sequence change creates a premature translational stop signal (p.Lys130Cysfs*9) in the PMS2 gene. It is expected to result in an absent or disrupted protein product. Loss-of-function variants in PMS2 are known to be pathogenic (PMID: 21376568, 24362816).

Ambry Genetics
Classification: Pathogenic for Hereditary cancer-predisposing syndrome. Last evaluated: 2020-10-29. Review status: criteria provided, single submitter. Criteria: Ambry Variant Classification Scheme 2023. Collection method: clinical testing. Allele origin: germline.
Comment: The c.388_390delAAGins116 variant, located in coding exon 5 of the PMS2 gene, results from the deletion of 3 nucleotides and insertion of 116 nucleotides causing a translational frameshift with a predicted alternate stop codon (p.K130Cfs*9). This alteration is expected to result in loss of function by premature protein truncation or nonsense-mediated mRNA decay. As such, this alteration is interpreted as a disease-causing mutation.

Literature cited by the submitters: PubMed 21376568 (cited by Labcorp Genetics (formerly Invitae), Labcorp); PubMed 24362816 (cited by Labcorp Genetics (formerly Invitae), Labcorp).